The following is an entry in ClinVar:

ClinVar aggregate classification (germline): Conflicting classifications of pathogenicity. Review status: criteria provided, conflicting classifications (1 of 4 stars). 8 submissions from 8 submitters: Uncertain significance (5); Likely benign (2). 1 of the submissions does not count toward it. Last evaluated 2026-03-19.

Conditions:
Hereditary cancer-predisposing syndrome. Also called: Tumor predisposition; Hereditary Cancer Syndrome; Neoplastic Syndromes, Hereditary; Hereditary neoplastic syndrome. Identifiers: Orphanet 140162, MedGen C0027672, MeSH D009386, MONDO:0015356.
Hereditary breast ovarian cancer syndrome. Also called: Breast and ovarian cancer; Hereditary breast and ovarian cancer; Hereditary breast and/or ovarian cancer syndrome; Hereditary breast and ovarian cancer syndrome; Hereditary breast and ovarian cancer syndrome (HBOC); BRCA1- and BRCA2-Associated Hereditary Breast and Ovarian Cancer. Identifiers: Orphanet 145, MedGen C0677776, MeSH D061325, MONDO:0003582. Disease mechanism: loss of function.
Breast-ovarian cancer, familial, susceptibility to, 2 (BROVCA2). Also called: BRCA2 Hereditary Breast and Ovarian Cancer. Identifiers: Orphanet 145, MedGen C2675520, MONDO:0012933, OMIM 612555. Disease mechanism: loss of function.

gnomAD v4.1: 3 of 1,613,662 alleles (0.00019%); highest among the groups gnomAD compares: Admixed American, 0.0017%; no homozygotes.

Submissions (8):

Myriad Genetics, Inc.
Classification: Likely benign for Breast-ovarian cancer, familial, susceptibility to, 2. Last evaluated: 2026-03-19. Review status: criteria provided, single submitter. Criteria: Myriad Autosomal Dominant, Autosomal Recessive and X-Linked Classification Criteria (2023). Collection method: clinical testing. Allele origin: unknown.
Comment: This variant is considered likely benign. This variant is strongly associated with less severe personal and family histories of cancer, typical for individuals without pathogenic variants in this gene [PMID: 25085752].

Labcorp Genetics (formerly Invitae), Labcorp
Classification: Uncertain significance for Hereditary breast ovarian cancer syndrome. Last evaluated: 2026-01-18. Review status: criteria provided, single submitter. Criteria: Invitae Variant Classification Sherloc (09022015). Collection method: clinical testing. Allele origin: germline.
Comment: This sequence change replaces serine, which is neutral and polar, with arginine, which is basic and polar, at codon 1528 of the BRCA2 protein (p.Ser1528Arg). This variant is present in population databases (rs80359788, gnomAD 0.006%). This missense change has been observed in individual(s) with breast cancer (PMID: 24010542). ClinVar contains an entry for this variant (Variation ID: 462348). Invitae Evidence Modeling of protein sequence and biophysical properties (such as structural, functional, and spatial information, amino acid conservation, physicochemical variation, residue mobility, and thermodynamic stability) indicates that this missense variant is not expected to disrupt BRCA2 protein function with a negative predictive value of 95%. In summary, the available evidence is currently insufficient to determine the role of this variant in disease. Therefore, it has been classified as a Variant of Uncertain Significance.

Color Diagnostics, LLC DBA Color Health
Classification: Uncertain significance for Hereditary cancer-predisposing syndrome. Last evaluated: 2025-07-05. Review status: criteria provided, single submitter. Criteria: ACMG Guidelines, 2015. Collection method: clinical testing. Allele origin: germline.
Comment: This missense variant replaces serine with arginine at codon 1528 of the BRCA2 protein. Computational prediction is inconclusive regarding the impact of this variant on protein structure and function. To our knowledge, functional studies have not been reported for this variant. This variant has been reported in an individual affected with breast cancer and an individual affected with colorectal cancer (PMID: 24010542, 28640387). This variant has been identified in 2/281640 chromosomes in the general population by the Genome Aggregation Database (gnomAD). The available evidence is insufficient to determine the role of this variant in disease conclusively. Therefore, this variant is classified as a Variant of Uncertain Significance.

Women's Health and Genetics/Laboratory Corporation of America, LabCorp
Classification: Uncertain significance. Last evaluated: 2024-08-27. Review status: criteria provided, single submitter. Criteria: LabCorp Variant Classification Summary - May 2015. Collection method: clinical testing. Allele origin: germline.
Comment: Variant summary: BRCA2 c.4584C>G (p.Ser1528Arg) results in a non-conservative amino acid change in the encoded protein sequence. Five of five in-silico tools predict a damaging effect of the variant on protein function. The variant allele was found at a frequency of 4e-06 in 250280 control chromosomes. The available data on variant occurrences in the general population are insufficient to allow any conclusion about variant significance. c.4584C>G has been reported in the literature as a VUS in settings of BRCA1/2 and/or multigene panel testing among individuals affected with breast and/or ovarian cancer, in an acute lymphoblastic leukemia cell line that is part of the NCI-60 panel, at-least one individual with colorectal cancer enrolled in the Hispanic Colorectal Cancer Study (example, Konstanopoulou_2014, Ikediobi_2006, Ricker_2017). These report(s) do not provide unequivocal conclusions about association of the variant with Hereditary Breast And Ovarian Cancer Syndrome. To our knowledge, no experimental evidence demonstrating an impact on protein function has been reported. The following publications have been ascertained in the context of this evaluation (PMID: 17088437, 24010542, 28640387). ClinVar contains an entry for this variant (Variation ID: 462348). Based on the evidence outlined above, the variant was classified as uncertain significance.

Ambry Genetics
Classification: Uncertain significance for Hereditary cancer-predisposing syndrome. Last evaluated: 2024-07-10. Review status: criteria provided, single submitter. Criteria: Ambry Variant Classification Scheme 2023. Collection method: clinical testing. Allele origin: germline.
Comment: The p.S1528R variant (also known as c.4584C>G), located in coding exon 10 of the BRCA2 gene, results from a C to G substitution at nucleotide position 4584. The serine at codon 1528 is replaced by arginine, an amino acid with dissimilar properties. This alteration has been reported in a Greek high risk breast and/or ovarian cancer family; authors listed the alteration as a variant of uncertain significance (Konstantopoulou I et al. Clin. Genet., 2014 Jan;85:36-42). This alteration has also been identified in an individual diagnosed with colorectal cancer (Ricker CN et al. Cancer, 2017 Oct;123:3732-3743). This amino acid position is well conserved in available vertebrate species. In addition, the in silico prediction for this alteration is inconclusive. Based on the available evidence, the clinical significance of this variant remains unclear.

All of Us Research Program, National Institutes of Health
Classification: Uncertain significance for Breast-ovarian cancer, familial, susceptibility to, 2. Last evaluated: 2023-12-01. Review status: criteria provided, single submitter. Criteria: ACMG Guidelines, 2015. Collection method: clinical testing. Allele origin: germline. Inheritance: Autosomal dominant inheritance. Observed: 1 variant allele, 1 heterozygote.
Comment: This study involves interpretation of variants in research participants for the purpose of population health screening. Participant phenotype was not available at the time of variant classification. Additional details can be found in publication PMID: 35346344, PMCID: PMC8962531

University of Washington Department of Laboratory Medicine, University of Washington
Classification: Likely benign for Hereditary cancer-predisposing syndrome. Last evaluated: 2023-03-23. Review status: criteria provided, single submitter. Criteria: Dines et al. (Genet Med. 2020). Collection method: curation. Allele origin: germline.
Comment: Missense variant in a coldspot region where missense variants are very unlikely to be pathogenic (PMID:31911673).

BRCA2 exon 11 coldspot. Reclassification based on statistical prior probability.

Counsyl
Classification: Uncertain significance for Breast-ovarian cancer, familial, susceptibility to, 2. Last evaluated: 2017-05-17. Review status: no assertion criteria provided. Collection method: clinical testing. Allele origin: unknown. Not counted in ClinVar's aggregate classification.

Literature cited by the submitters: PubMed 25085752 (cited by Myriad Genetics, Inc.); PubMed 24010542 (cited by 5 submitters); PubMed 28640387 (cited by 3 submitters); PubMed 17088437 (cited by Women's Health and Genetics/Laboratory Corporation of America, LabCorp).

NM_000059.4(BRCA2):c.4584C>G (p.Ser1528Arg)

Gene: BRCA2 (BRCA2 DNA repair associated; plus strand). Cytogenetic location: 13q13.1.
Variant type: single nucleotide variant.
Coding change: c.4584C>G on transcript NM_000059.4 (MANE Select); coding-DNA position 4584, C replaced by G.
Protein change: p.Ser1528Arg; replaces serine 1528 with arginine.
Molecular consequence: missense variant.
Genome position (GRCh38, 1-based): chr13:32,338,939, C>G. VCF-style: chr13-32338939-C-G. GRCh37 (hg19) VCF-style: chr13-32913076-C-G.
Other names: short protein forms S1528R.
Identifiers: ClinVar variation 462348 (VCV000462348.27), dbSNP rs80359788, ClinGen allele CA6940797.